The following is an entry in ClinVar:

ClinVar aggregate classification (germline): Likely pathogenic. Review status: criteria provided, multiple submitters, no conflicts (2 of 4 stars). 2 submissions from 2 submitters: Likely pathogenic (2). Last evaluated 2023-07-10.

Conditions:
Retinitis pigmentosa 39 (RP39). Identifiers: Orphanet 791, MedGen C3151138, MONDO:0013436, OMIM 613809.

Submissions (2):

Baylor Genetics
Classification: Likely pathogenic for Retinitis pigmentosa 39. Last evaluated: 2023-07-10. Review status: criteria provided, single submitter. Criteria: ACMG Guidelines, 2015. Collection method: clinical testing. Allele origin: unknown.

Labcorp Genetics (formerly Invitae), Labcorp
Classification: Likely pathogenic. Last evaluated: 2022-04-21. Review status: criteria provided, single submitter. Criteria: Invitae Variant Classification Sherloc (09022015). Collection method: clinical testing. Allele origin: germline.
Comment: This variant is not present in population databases (gnomAD no frequency). This sequence change affects a donor splice site in intron 68 of the USH2A gene. It is expected to disrupt RNA splicing. Variants that disrupt the donor or acceptor splice site typically lead to a loss of protein function (PMID: 16199547), and loss-of-function variants in USH2A are known to be pathogenic (PMID: 10729113, 10909849, 20507924, 25649381). This variant has not been reported in the literature in individuals affected with USH2A-related conditions. Algorithms developed to predict the effect of sequence changes on RNA splicing suggest that this variant may disrupt the consensus splice site. In summary, the currently available evidence indicates that the variant is pathogenic, but additional data are needed to prove that conclusively. Therefore, this variant has been classified as Likely Pathogenic.

Literature cited by the submitters: PubMed 16199547 (cited by Labcorp Genetics (formerly Invitae), Labcorp); PubMed 10729113 (cited by Labcorp Genetics (formerly Invitae), Labcorp); PubMed 10909849 (cited by Labcorp Genetics (formerly Invitae), Labcorp); PubMed 20507924 (cited by Labcorp Genetics (formerly Invitae), Labcorp); PubMed 25649381 (cited by Labcorp Genetics (formerly Invitae), Labcorp).

NM_206933.4(USH2A):c.14968+1G>C

Gene: USH2A (usherin; minus strand). Cytogenetic location: 1q41.
Variant type: single nucleotide variant.
Coding change: c.14968+1G>C on transcript NM_206933.4 (MANE Select); the canonical splice donor site of the intron after coding-DNA position 14968, G replaced by C.
Molecular consequence: splice donor variant.
Genome position (GRCh38, 1-based): chr1:215,640,557, C>G on the plus strand (G>C on the coding strand, the complement: USH2A is on the minus strand). VCF-style: chr1-215640557-C-G. GRCh37 (hg19) VCF-style: chr1-215813899-C-G.
Identifiers: ClinVar variation 2128739 (VCV002128739.5), dbSNP rs2464788700, ClinGen allele CA344827556.